The following is an entry in ClinVar:

ClinVar aggregate classification (germline): Uncertain significance (1 of 4 stars; one submission).

Conditions:
Charcot-Marie-Tooth disease axonal type 2Z. Also called: CHARCOT-MARIE-TOOTH DISEASE, AXONAL, AUTOSOMAL DOMINANT, TYPE 2Z; CHARCOT-MARIE-TOOTH NEUROPATHY, TYPE 2Z. Identifiers: Orphanet 466768, MedGen C5569025, MONDO:0014736, OMIM 616688.

Allele frequency attached by ClinVar (database versions not stated): gnomAD exomes below 0.00001; gnomAD 0.00001.
gnomAD v4.1: 2 of 1,613,616 alleles (0.00012%); highest among the groups gnomAD compares: African/African-American, 0.0013%; no homozygotes.

Submission:

Labcorp Genetics (formerly Invitae), Labcorp
Classification: Uncertain significance for Charcot-Marie-Tooth disease, axonal, type 2z. Last evaluated: 2018-09-07. Review status: criteria provided, single submitter. Criteria: Invitae Variant Classification Sherloc (09022015). Collection method: clinical testing. Allele origin: germline.
Comment: This sequence change falls in intron 22 of the MORC2 gene. It does not directly change the encoded amino acid sequence of the MORC2 protein, but it affects a nucleotide within the consensus splice site of the intron. This variant is not present in population databases (ExAC no frequency). This variant has not been reported in the literature in individuals with MORC2-related disease. Nucleotide substitutions within the consensus splice site are a relatively common cause of aberrant splicing (PMID: 17576681, 9536098). Algorithms developed to predict the effect of sequence changes on RNA splicing suggest that this variant is not likely to affect RNA splicing, but this prediction has not been confirmed by published transcriptional studies. In summary, the available evidence is currently insufficient to determine the role of this variant in disease. Therefore, it has been classified as a Variant of Uncertain Significance.

NM_001303256.3(MORC2):c.2381-3C>T

Gene: MORC2 (MORC family CW-type zinc finger 2; minus strand). Cytogenetic location: 22q12.2.
Variant type: single nucleotide variant.
Coding change: c.2381-3C>T on transcript NM_001303256.3 (MANE Select); 3 bases into the intron before coding-DNA position 2381, C replaced by T.
Molecular consequence: intron variant.
Genome position (GRCh38, 1-based): chr22:30,933,033, G>A on the plus strand (C>T on the coding strand, the complement: MORC2 is on the minus strand). VCF-style: chr22-30933033-G-A. GRCh37 (hg19) VCF-style: chr22-31329020-G-A.
Other names: c.2381-3C>T (NM_001303257.2); c.2195-3C>T (NM_014941.3).
Identifiers: ClinVar variation 663844 (VCV000663844.1), dbSNP rs1309634022, ClinGen allele CA639388513.